The following is an entry in ClinVar:

ClinVar aggregate classification (germline): Uncertain significance (1 of 4 stars; one submission).

Conditions:
Costello syndrome (CSTLO). Also called: FCS SYNDROME; FACIOCUTANEOSKELETAL SYNDROME; HRAS-Related Costello Syndrome. Identifiers: Orphanet 3071, MedGen C0587248, MONDO:0009026, OMIM 218040.

Submission:

Labcorp Genetics (formerly Invitae), Labcorp
Classification: Uncertain significance for Costello syndrome. Last evaluated: 2025-07-27. Review status: criteria provided, single submitter. Criteria: Invitae Variant Classification Sherloc (09022015). Collection method: clinical testing. Allele origin: germline.
Comment: This sequence change replaces cysteine, which is neutral and slightly polar, with serine, which is neutral and polar, at codon 184 of the HRAS protein (p.Cys184Ser). This variant is not present in population databases (gnomAD no frequency). This variant has not been reported in the literature in individuals affected with HRAS-related conditions. ClinVar contains an entry for this variant (Variation ID: 1407404). Invitae Evidence Modeling of protein sequence and biophysical properties (such as structural, functional, and spatial information, amino acid conservation, physicochemical variation, residue mobility, and thermodynamic stability) indicates that this missense variant is not expected to disrupt HRAS protein function with a negative predictive value of 95%. Experimental studies have shown that this missense change affects HRAS function (PMID: 15491620, 23412389, 23548900, 27468687, 28179458). In summary, the available evidence is currently insufficient to determine the role of this variant in disease. Therefore, it has been classified as a Variant of Uncertain Significance.

Literature cited by the submitters: PubMed 15491620; PubMed 23412389; PubMed 23548900; PubMed 27468687; PubMed 28179458.

NM_005343.4(HRAS):c.551G>C (p.Cys184Ser)

Genes: HRAS (HRas proto-oncogene, GTPase; minus strand), LRRC56 (leucine rich repeat containing 56; plus strand). Cytogenetic location: 11p15.5.
Variant type: single nucleotide variant.
Coding change: c.551G>C on transcript NM_005343.4 (MANE Select); coding-DNA position 551, G replaced by C.
Protein change: p.Cys184Ser; replaces cysteine 184 with serine.
Molecular consequence: missense variant. On other transcripts: 3 prime UTR variant (1).
Genome position (GRCh38, 1-based): chr11:532,655, C>G on the plus strand (G>C on the coding strand, the complement: HRAS is on the minus strand). VCF-style: chr11-532655-C-G. GRCh37 (hg19) VCF-style: chr11-532655-C-G.
Other names: c.551G>C, p.Cys184Ser (NM_001130442.3); c.314G>C, p.Cys105Ser (NM_001318054.2); c.*120G>C (NM_176795.5); short protein forms C105S, C184S.
Identifiers: ClinVar variation 1407404 (VCV001407404.6), dbSNP rs2133982018, ClinGen allele CA378920918.
Genomic context (GRCh38, chr11:532,655, plus strand): 5'-GGTGGGCGTGGCGGCCGCCCTGGGAGTCCCCCTCACCTGCGTCAGGAGAGCACACACTTG[C>G]AGCTCATGCAGCCGGGGCCACTCTCATCAGGAGGGTTCAGCTTCCGCAGCTTGTGCTGCC-3'
Protein context (NP_005334.1, residues 174-189): PDESGPGCMS[Cys184Ser]KCVLS